The following is an entry in ClinVar:

NM_005751.5(AKAP9):c.3329G>C (p.Arg1110Thr)

Gene: AKAP9 (A-kinase anchoring protein 9; plus strand). Cytogenetic location: 7q21.2.
Variant type: single nucleotide variant.
Coding change: c.3329G>C on transcript NM_005751.5 (MANE Select); coding-DNA position 3329, G replaced by C.
Protein change: p.Arg1110Thr; replaces arginine 1110 with threonine.
Molecular consequence: missense variant.
Genome position (GRCh38, 1-based): chr7:92,012,439, G>C. VCF-style: chr7-92012439-G-C. GRCh37 (hg19) VCF-style: chr7-91641753-G-C.
Other names: c.3329G>C, p.Arg1110Thr (NM_147185.3); short protein forms R1110T.
Identifiers: ClinVar variation 412026 (VCV000412026.13), dbSNP rs146811417, ClinGen allele CA4336286.
Genomic context (GRCh38, chr7:92,012,439, plus strand): 5'-TTGATTTGTCATTTAAGAATATTATAATGTTTACATATGTTTACTTTAAGAATGATTTAA[G>C]GCTACAGATGGAAGCCCAACGCATTTGCCTCTCTCTGGTTTATTCAACTCATGTGGATCA-3'
Protein context (NP_005742.4, residues 1100-1120): NVLKSEQNDL[Arg1110Thr]LQMEAQRICL

ClinVar aggregate classification (germline): Uncertain significance. Review status: criteria provided, multiple submitters, no conflicts (2 of 4 stars). 4 submissions from 4 submitters: Uncertain significance (4). Last evaluated 2026-01-12.

Conditions:
Cardiovascular phenotype. Identifiers: MedGen CN230736.
Long QT syndrome (LQTS). Identifiers: MedGen C0023976, MeSH D008133, MONDO:0002442. Disease mechanism: loss of function. Inheritance: Various modes of inheritance.
Long QT syndrome 1 (LQT1). Identifiers: Orphanet 101016, Orphanet 768, MedGen C4551647, MONDO:0100316, OMIM 192500, MONDO:0008646.

Allele frequency attached by ClinVar (database versions not stated): gnomAD 0.00001; ExAC 0.00002; gnomAD exomes 0.00002; TOPMed 0.00002; ESP Exome Variant Server 0.00015.
gnomAD v4.1: 20 of 1,613,278 alleles (0.0012%); highest among the groups gnomAD compares: Non-Finnish European, 0.0017%; no homozygotes.

Submissions (4):

Ambry Genetics
Classification: Uncertain significance for Cardiovascular phenotype. Last evaluated: 2026-01-12. Review status: criteria provided, single submitter. Criteria: Ambry Variant Classification Scheme 2023. Collection method: clinical testing. Allele origin: germline.
Comment: The p.R1110T variant (also known as c.3329G>C), located in coding exon 9 of the AKAP9 gene, results from a G to C substitution at nucleotide position 3329. The arginine at codon 1110 is replaced by threonine, an amino acid with similar properties. This amino acid position is not well conserved in available vertebrate species. In addition, this alteration is predicted to be tolerated by in silico analysis. The evidence for this gene-disease relationship is limited; therefore, the clinical significance of this alteration is unclear.

Blueprint Genetics
Classification: Uncertain significance. Last evaluated: 2024-08-08. Review status: criteria provided, single submitter. Criteria: ACMG Guidelines, 2015. Collection method: clinical testing. Allele origin: germline.

Labcorp Genetics (formerly Invitae), Labcorp
Classification: Uncertain significance for Long QT syndrome. Last evaluated: 2023-11-14. Review status: criteria provided, single submitter. Criteria: Invitae Variant Classification Sherloc (09022015). Collection method: clinical testing. Allele origin: germline.
Comment: This sequence change replaces arginine, which is basic and polar, with threonine, which is neutral and polar, at codon 1110 of the AKAP9 protein (p.Arg1110Thr). This variant is present in population databases (rs146811417, gnomAD 0.004%). This variant has not been reported in the literature in individuals affected with AKAP9-related conditions. ClinVar contains an entry for this variant (Variation ID: 412026). An algorithm developed to predict the effect of missense changes on protein structure and function (PolyPhen-2) suggests that this variant is likely to be disruptive. Algorithms developed to predict the effect of sequence changes on RNA splicing suggest that this variant may create or strengthen a splice site. In summary, the available evidence is currently insufficient to determine the role of this variant in disease. Therefore, it has been classified as a Variant of Uncertain Significance.

Molecular Diagnostic Laboratory for Inherited Cardiovascular Disease, Montreal Heart Institute
Classification: Uncertain significance for Long QT syndrome 1. Last evaluated: 2020-03-13. Review status: criteria provided, single submitter. Criteria: ACMG Guidelines, 2015. Collection method: clinical testing. Allele origin: germline. Affected: yes.